The following is an entry in ClinVar:

ClinVar aggregate classification (germline): Uncertain significance (1 of 4 stars; one submission).

Conditions:
Gamma-aminobutyric acid transaminase deficiency (GABATD). Also called: GABA transaminase deficiency; Gamma aminobutyrate transaminase deficiency; 4 alpha aminobutyrate transaminase deficiency; GABA aminotransaminase deficiency. Identifiers: Orphanet 2066, MedGen C0342708, MONDO:0013166, OMIM 613163.

Allele frequency attached by ClinVar (database versions not stated): ExAC 0.00001.
gnomAD v4.1: 16 of 1,613,604 alleles (0.00099%); highest among the groups gnomAD compares: South Asian, 0.0022%; no homozygotes.

Submission:

Labcorp Genetics (formerly Invitae), Labcorp
Classification: Uncertain significance for Gamma-aminobutyric acid transaminase deficiency. Last evaluated: 2022-07-30. Review status: criteria provided, single submitter. Criteria: Invitae Variant Classification Sherloc (09022015). Collection method: clinical testing. Allele origin: germline.
Comment: This sequence change replaces threonine, which is neutral and polar, with methionine, which is neutral and non-polar, at codon 48 of the ABAT protein (p.Thr48Met). This variant is present in population databases (rs756018049, gnomAD 0.003%). This variant has not been reported in the literature in individuals affected with ABAT-related conditions. Algorithms developed to predict the effect of missense changes on protein structure and function are either unavailable or do not agree on the potential impact of this missense change (SIFT: "Deleterious"; PolyPhen-2: "Probably Damaging"; Align-GVGD: "Class C0"). In summary, the available evidence is currently insufficient to determine the role of this variant in disease. Therefore, it has been classified as a Variant of Uncertain Significance.

NM_020686.6(ABAT):c.143C>T (p.Thr48Met)

Gene: ABAT (4-aminobutyrate aminotransferase; plus strand). Cytogenetic location: 16p13.2.
Variant type: single nucleotide variant.
Coding change: c.143C>T on transcript NM_020686.6 (MANE Select); coding-DNA position 143, C replaced by T.
Protein change: p.Thr48Met; replaces threonine 48 with methionine.
Molecular consequence: missense variant. On other transcripts: intron variant (2).
Genome position (GRCh38, 1-based): chr16:8,746,073, C>T. VCF-style: chr16-8746073-C-T. GRCh37 (hg19) VCF-style: chr16-8839930-C-T.
Other names: c.8C>T, p.Thr3Met (NM_001386613.1, NM_001386611.1, NM_001386612.1); c.143C>T, p.Thr48Met (NM_001386615.1, NM_001386616.1, NM_000663.5 and 11 more transcripts); c.71-2035C>T (NM_001386610.1); c.70+10264C>T (NM_001386614.1); short protein forms T48M, T3M.
Identifiers: ClinVar variation 2069324 (VCV002069324.1), dbSNP rs756018049, ClinGen allele CA7892966.
Genomic context (GRCh38, chr16:8,746,073, plus strand): 5'-TTAGTCAAGCTGCAGCCAAAGTCGACGTTGAATTTGATTATGATGGGCCTCTGATGAAGA[C>T]GGAAGTCCCAGGGCCTAGATCTCAGGTGAGTTGAGCACACCTGAGTGGGGTATTTTGGAA-3'
Protein context (NP_065737.2, residues 38-58): EFDYDGPLMK[Thr48Met]EVPGPRSQEL